The following is an entry in ClinVar:

ClinVar aggregate classification (germline): Likely pathogenic (1 of 4 stars; one submission).

Conditions:
Glycogen storage disease, type II (IOPD). Also called: GLYCOGENOSIS, GENERALIZED, CARDIAC FORM; GSD II; POMPE DISEASE, INFANTILE-ONSET; GLYCOGEN STORAGE DISEASE II, INFANTILE-ONSET; ACID ALPHA-GLUCOSIDASE DEFICIENCY, INFANTILE-ONSET; GAA DEFICIENCY, INFANTILE-ONSET. Identifiers: Orphanet 365, MedGen C0017921, MONDO:0009290, OMIM 232300.

Submission:

Labcorp Genetics (formerly Invitae), Labcorp
Classification: Likely pathogenic for Glycogen storage disease, type II. Last evaluated: 2025-02-05. Review status: criteria provided, single submitter. Criteria: Invitae Variant Classification Sherloc (09022015). Collection method: clinical testing. Allele origin: germline.
Comment: This sequence change replaces alanine, which is neutral and non-polar, with valine, which is neutral and non-polar, at codon 555 of the GAA protein (p.Ala555Val). This variant is not present in population databases (gnomAD no frequency). This missense change has been observed in individual(s) with GAA--related conditions (internal data). In at least one individual the data is consistent with being in trans (on the opposite chromosome) from a pathogenic variant. Invitae Evidence Modeling of protein sequence and biophysical properties (such as structural, functional, and spatial information, amino acid conservation, physicochemical variation, residue mobility, and thermodynamic stability) indicates that this missense variant is not expected to disrupt GAA protein function with a negative predictive value of 95%. Algorithms developed to predict the effect of sequence changes on RNA splicing suggest that this variant may create or strengthen a splice site. This variant disrupts the p.Ala555 amino acid residue in GAA. Other variant(s) that disrupt this residue have been determined to be pathogenic (PMID: 33301762). This suggests that this residue is clinically significant, and that variants that disrupt this residue are likely to be disease-causing. In summary, the currently available evidence indicates that the variant is pathogenic, but additional data are needed to prove that conclusively. Therefore, this variant has been classified as Likely Pathogenic.

Literature cited by the submitters: PubMed 33301762.

NM_000152.5(GAA):c.1664C>T (p.Ala555Val)

Gene: GAA (alpha glucosidase; plus strand). Cytogenetic location: 17q25.3.
Variant type: single nucleotide variant.
Coding change: c.1664C>T on transcript NM_000152.5 (MANE Select); coding-DNA position 1664, C replaced by T.
Protein change: p.Ala555Val; replaces alanine 555 with valine.
Molecular consequence: missense variant.
Genome position (GRCh38, 1-based): chr17:80,112,010, C>T. VCF-style: chr17-80112010-C-T. GRCh37 (hg19) VCF-style: chr17-78085809-C-T.
Other names: c.1664C>T, p.Ala555Val (NM_001079803.3, NM_001079804.3, NM_001406741.1 and 1 more transcripts); short protein forms A555V.
Identifiers: ClinVar variation 3605906 (VCV003605906.2).